The following is an entry in ClinVar:

ClinVar aggregate classification (germline): Likely pathogenic (1 of 4 stars; one submission).

Conditions:
Glycogen storage disease, type VII (GSD7). Also called: GSD VII; MUSCLE PHOSPHOFRUCTOKINASE DEFICIENCY; PFKM DEFICIENCY; TARUI DISEASE. Identifiers: Orphanet 371, MedGen C0017926, MONDO:0009295, OMIM 232800.

Allele frequency attached by ClinVar (database versions not stated): gnomAD exomes 0.00001; ExAC 0.00002.
gnomAD v4.1: 7 of 1,612,904 alleles (0.00043%); 1 homozygote.

Submission:

Labcorp Genetics (formerly Invitae), Labcorp
Classification: Likely pathogenic for Glycogen storage disease, type VII. Last evaluated: 2023-12-30. Review status: criteria provided, single submitter. Criteria: Invitae Variant Classification Sherloc (09022015). Collection method: clinical testing. Allele origin: germline.
Comment: This sequence change affects a donor splice site in intron 7 of the PFKM gene. It is expected to disrupt RNA splicing. Variants that disrupt the donor or acceptor splice site typically lead to a loss of protein function (PMID: 16199547), and loss-of-function variants in PFKM are known to be pathogenic (PMID: 7825568, 8037209). This variant is present in population databases (rs766350964, gnomAD 0.009%). This variant has not been reported in the literature in individuals affected with PFKM-related conditions. Algorithms developed to predict the effect of sequence changes on RNA splicing suggest that this variant may disrupt the consensus splice site. In summary, the currently available evidence indicates that the variant is pathogenic, but additional data are needed to prove that conclusively. Therefore, this variant has been classified as Likely Pathogenic.

Literature cited by the submitters: PubMed 16199547; PubMed 7825568; PubMed 8037209.

NM_000289.6(PFKM):c.638+1G>T

Gene: PFKM (phosphofructokinase, muscle; plus strand). Cytogenetic location: 12q13.11.
Variant type: single nucleotide variant.
Coding change: c.638+1G>T on transcript NM_000289.6 (MANE Select); the canonical splice donor site of the intron after coding-DNA position 638, G replaced by T.
Molecular consequence: splice donor variant.
Genome position (GRCh38, 1-based): chr12:48,134,277, G>T. VCF-style: chr12-48134277-G-T. GRCh37 (hg19) VCF-style: chr12-48528060-G-T.
Other names: c.662+1G>T (NM_001354741.2); c.638+1G>T (NM_001354742.2, NM_001354743.2, NM_001354744.2 and 4 more transcripts); c.488+1G>T (NM_001354747.2, NM_001354748.2); c.851+1G>T (NM_001166686.2, NM_001354737.1, NM_001354739.1 and 1 more transcripts); c.947+1G>T (NM_001354736.1, NM_001354735.1); c.782+1G>T (NM_001354740.1); c.551+1G>T (NM_001354745.2).
Identifiers: ClinVar variation 2875724 (VCV002875724.4), dbSNP rs766350964, ClinGen allele CA6537057.
Genomic context (GRCh38, chr12:48,134,277, plus strand): 5'-GTCTATCTCTTGCAGCCACCAGAGGACATTTGTGTTAGAAGTAATGGGCCGCCACTGTGG[G>T]TAAGATCCTCATTCTGACCCATTTATTCCGTGGACCTAGCGATAGCCCTTTCCTTTTCCC-3'